The following is an entry in ClinVar:

NM_001184880.2(PCDH19):c.1351C>A (p.Pro451Thr)

Gene: PCDH19 (protocadherin 19; minus strand). Cytogenetic location: Xq22.1.
Variant type: single nucleotide variant.
Coding change: c.1351C>A on transcript NM_001184880.2 (MANE Select); coding-DNA position 1351, C replaced by A.
Protein change: p.Pro451Thr; replaces proline 451 with threonine.
Molecular consequence: missense variant.
Genome position (GRCh38, 1-based): chrX:100,407,247, G>T on the plus strand (C>A on the coding strand, the complement: PCDH19 is on the minus strand). VCF-style: chrX-100407247-G-T. GRCh37 (hg19) VCF-style: chrX-99662245-G-T.
Other names: c.1351C>A, p.Pro451Thr (NM_001105243.2, NM_020766.3); short protein forms P451T.
Identifiers: ClinVar variation 3636297 (VCV003636297.2).
Genomic context (GRCh38, chrX:100,407,247, plus strand): 5'-AGGCGCCAGGCGTGTTGTTCTCCTGCACAATGACCTGGTAGTAGGGCTTGGAAAAGTGCG[G>T]GTGGTTGTCATTTTCGTCAGTGATGAGCACGGTAAAGGACTTGGCACTCTGCAGCATGGG-3'
Protein context (NP_001171809.1, residues 441-461): VLITDENDNH[Pro451Thr]HFSKPYYQVI

ClinVar aggregate classification (germline): Uncertain significance (1 of 4 stars; one submission).

Conditions:
Developmental and epileptic encephalopathy, 9 (DEE9). Also called: Early infantile epileptic encephalopathy 9; EPILEPSY, FEMALE-RESTRICTED, WITH MENTAL RETARDATION; PCDH19-Related X-Linked Female-Limited Epilepsy with Mental Retardation; JUBERG-HELLMAN SYNDROME. Identifiers: Orphanet 101039, Orphanet 2076, MedGen C1848137, MONDO:0010246, OMIM 300088. Disease mechanism: loss of function.

Submission:

Labcorp Genetics (formerly Invitae), Labcorp
Classification: Uncertain significance for Developmental and epileptic encephalopathy, 9. Last evaluated: 2024-07-11. Review status: criteria provided, single submitter. Criteria: Invitae Variant Classification Sherloc (09022015). Collection method: clinical testing. Allele origin: germline.
Comment: This sequence change replaces proline, which is neutral and non-polar, with threonine, which is neutral and polar, at codon 451 of the PCDH19 protein (p.Pro451Thr). This variant is not present in population databases (gnomAD no frequency). This variant has not been reported in the literature in individuals affected with PCDH19-related conditions. Advanced modeling of protein sequence and biophysical properties (such as structural, functional, and spatial information, amino acid conservation, physicochemical variation, residue mobility, and thermodynamic stability) performed at Invitae indicates that this missense variant is expected to disrupt PCDH19 protein function with a positive predictive value of 95%. In summary, the available evidence is currently insufficient to determine the role of this variant in disease. Therefore, it has been classified as a Variant of Uncertain Significance.